The following is an entry in ClinVar:

ClinVar aggregate classification (germline): Uncertain significance (1 of 4 stars; one submission).

Conditions:
Angelman syndrome (AS). Also called: HAPPY PUPPET SYNDROME. Identifiers: Orphanet 72, MedGen C0162635, MONDO:0007113, OMIM 105830. Disease mechanism: loss of function. Inheritance: imprinting disorder, AS is caused by disruption of maternally imprinted UBE3A located within the 15q11.2-q13 Angelman syndrome/Prader-Willi syndrome (AS/PWS) region..

Submission:

Labcorp Genetics (formerly Invitae), Labcorp
Classification: Uncertain significance for Angelman syndrome. Last evaluated: 2022-07-19. Review status: criteria provided, single submitter. Criteria: Invitae Variant Classification Sherloc (09022015). Collection method: clinical testing. Allele origin: germline.
Comment: In summary, the available evidence is currently insufficient to determine the role of this variant in disease. Therefore, it has been classified as a Variant of Uncertain Significance. Algorithms developed to predict the effect of missense changes on protein structure and function output the following: SIFT: "Not Available"; PolyPhen-2: "Benign"; Align-GVGD: "Not Available". The threonine amino acid residue is found in multiple mammalian species, which suggests that this missense change does not adversely affect protein function. ClinVar contains an entry for this variant (Variation ID: 855279). This variant has not been reported in the literature in individuals affected with UBE3A-related conditions. This variant is not present in population databases (gnomAD no frequency). This sequence change replaces alanine, which is neutral and non-polar, with threonine, which is neutral and polar, at codon 177 of the UBE3A protein (p.Ala177Thr).

NM_130839.5(UBE3A):c.589G>A (p.Ala197Thr)

Genes: SNHG14 (small nucleolar RNA host gene 14; plus strand), UBE3A (ubiquitin protein ligase E3A; minus strand). Cytogenetic location: 15q11.2.
Variant type: single nucleotide variant.
Coding change: c.589G>A on transcript NM_130839.5 (MANE Select); coding-DNA position 589, G replaced by A.
Protein change: p.Ala197Thr; replaces alanine 197 with threonine.
Molecular consequence: missense variant. On other transcripts: non-coding transcript variant (1), intron variant (2).
Genome position (GRCh38, 1-based): chr15:25,371,585, C>T on the plus strand (G>A on the coding strand, the complement: UBE3A is on the minus strand). VCF-style: chr15-25371585-C-T. GRCh37 (hg19) VCF-style: chr15-25616732-C-T.
Other names: c.598G>A, p.Ala200Thr (NM_000462.5); c.589G>A, p.Ala197Thr (NM_001354505.1, NM_001354538.2, NM_001354545.2); c.529G>A, p.Ala177Thr (NM_001354506.2, NM_001354507.2, NM_001354508.2 and 17 more transcripts); c.412G>A, p.Ala138Thr (NM_001354546.2); c.301+3880G>A (NM_001354551.2); c.361+3880G>A (NM_001354550.2); short protein forms A138T, A197T, A177T, A200T.
Identifiers: ClinVar variation 855279 (VCV000855279.9), dbSNP rs752711811, ClinGen allele CA391355506.